The following is an entry in ClinVar:

ClinVar aggregate classification (germline): Likely pathogenic. Review status: criteria provided, multiple submitters, no conflicts (2 of 4 stars). 3 submissions from 2 submitters: Likely pathogenic (3). Last evaluated 2023-07-11.

Conditions:
TTN-related disorder. Also called: TTN-related disorders; TTN-related condition; TTN-related disease.
Autosomal recessive limb-girdle muscular dystrophy type 2J (LGMDR10). Also called: Limb-girdle muscular dystrophy, type 2J; MUSCULAR DYSTROPHY, LIMB-GIRDLE, AUTOSOMAL RECESSIVE 10. Identifiers: Orphanet 140922, MedGen C1837342, MONDO:0012127, OMIM 608807.
Dilated cardiomyopathy 1G (CMD1G). Identifiers: Orphanet 154, MedGen C1858763, MONDO:0011400, OMIM 604145.

Submissions (3):

PreventionGenetics, part of Exact Sciences
Classification: Likely pathogenic for TTN-related condition. Last evaluated: 2023-07-11. Review status: criteria provided, single submitter. Criteria: ACMG Guidelines, 2015. Collection method: clinical testing. Allele origin: germline.
Comment: The TTN c.97451_97452delCT variant is predicted to result in a frameshift and premature protein termination (p.Ser32484Leufs*5). To our knowledge, this variant has not been reported in the literature or in a large population database, indicating this variant is rare. This variant is located within the A-band region of the TTN protein. RNAseq studies from heart tissue indicate this exon is commonly included in TTN mRNA transcripts (PSI of 100%); however, this analysis was not performed in muscle tissue (Roberts et al. 2015. PMID: 25589632). TTN truncating variants are reported in 1-2% of presumably healthy individuals and occur more frequently in exons with low PSI values, indicating that this variant is more likely to be disease causing (Herman et al. 2012. PMID: 22335739; Roberts et al. 2015. PMID: 25589632). In summary, this truncating variant in TTN is classified as likely pathogenic for both autosomal dominant and recessive TTN-related disorders.

Labcorp Genetics (formerly Invitae), Labcorp
Classification: Likely pathogenic for Dilated cardiomyopathy 1G; Autosomal recessive limb-girdle muscular dystrophy type 2J. Last evaluated: 2022-11-15. Review status: criteria provided, single submitter. Criteria: Invitae Variant Classification Sherloc (09022015). Collection method: clinical testing. Allele origin: germline.
Comment: This variant is not present in population databases (gnomAD no frequency). This sequence change creates a premature translational stop signal (p.Ser32484Leufs*5) in the TTN gene. While this is not anticipated to result in nonsense mediated decay, it is expected to create a truncated TTN protein. In summary, the currently available evidence indicates that the variant is pathogenic, but additional data are needed to prove that conclusively. Therefore, this variant has been classified as Likely Pathogenic. This variant is located in the A band of TTN (PMID: 25589632). Truncating variants in this region are significantly overrepresented in patients affected with dilated cardiomyopathy (PMID: 25589632). Truncating variants in this region have also been reported in individuals affected with autosomal recessive centronuclear myopathy (PMID: 23975875). ClinVar contains an entry for this variant (Variation ID: 238873). This premature translational stop signal has been observed in individual(s) with clinical features of dilated cardiomyopathy (Invitae).

Labcorp Genetics (formerly Invitae), Labcorp
Classification: Likely pathogenic for Dilated cardiomyopathy 1G. Last evaluated: 2015-12-25. Review status: criteria provided, single submitter. Criteria: Invitae Variant Classification Sherloc (09022015). Collection method: clinical testing. Allele origin: germline.
Comment: This sequence change deletes 2 nucleotide from exon 349 of the TTN mRNA (c.97451_97452delCT), causing a frameshift at codon 32484. This creates a premature translational stop signal (p.Ser32484Leufs*5) and is expected to result in an absent or disrupted protein product. This variant is found in the A-band of this gene. Truncating variants in the A-band of TTN are likely pathogenic (PMID: 25589632). For these reasons, this variant has been classified as Likely Pathogenic.

Literature cited by the submitters: PubMed 25589632 (cited by Labcorp Genetics (formerly Invitae), Labcorp); PubMed 23975875 (cited by Labcorp Genetics (formerly Invitae), Labcorp).

NM_001267550.2(TTN):c.97451_97452del (p.Ser32484fs)

Genes: TTN-AS1 (TTN antisense RNA 1; plus strand), TTN (titin; minus strand). Cytogenetic location: 2q31.2.
Variant type: Microsatellite.
Coding change: c.97451_97452del on transcript NM_001267550.2 (MANE Select); coding-DNA positions 97451 to 97452, 2 bases deleted (CT; older notation c.97451_97452delCT).
Protein change: p.Ser32484fs; shifts the reading frame from serine 32484.
Molecular consequence: frameshift variant. On other transcripts: non-coding transcript variant (1).
Genome position (GRCh38, 1-based): chr2:178,542,304-178,542,305, AG deleted on the plus strand (CT on the coding strand, the reverse complement: TTN is on the minus strand); deleting any 2 consecutive bases within chr2:178,542,304-178,542,307 gives the same sequence; the c. name uses the placement nearest the transcript's 3' end. VCF-style (leftmost placement, unchanged base first): chr2-178542303-AAG-A. GRCh37 (hg19) VCF-style: chr2-179407030-AAG-A.
Other names: c.92528_92529del, p.Ser30843fs (NM_001256850.1); c.70256_70257del, p.Ser23419fs (NM_003319.4); c.89747_89748del, p.Ser29916fs (NM_133378.4); c.70631_70632del, p.Ser23544fs (NM_133432.3); c.70832_70833del, p.Ser23611fs (NM_133437.4); c.97451_97452delCT (NM_001267550.2); short protein forms S23544fs, S23611fs, S32484fs, S29916fs, S23419fs, S30843fs.
Identifiers: ClinVar variation 238873 (VCV000238873.9), dbSNP rs878854433, ClinGen allele CA10581829.